The following is an entry in ClinVar:

NM_018062.4(FANCL):c.142C>G (p.Leu48Val)

Gene: FANCL (FA complementation group L; minus strand). Cytogenetic location: 2p16.1.
Variant type: single nucleotide variant.
Coding change: c.142C>G on transcript NM_018062.4 (MANE Select); coding-DNA position 142, C replaced by G.
Protein change: p.Leu48Val; replaces leucine 48 with valine.
Molecular consequence: missense variant.
Genome position (GRCh38, 1-based): chr2:58,232,067, G>C on the plus strand (C>G on the coding strand, the complement: FANCL is on the minus strand). VCF-style: chr2-58232067-G-C. GRCh37 (hg19) VCF-style: chr2-58459202-G-C.
Other names: c.142C>G, p.Leu48Val (NM_001114636.2, NM_001374615.1, NM_001410792.1); short protein forms L48V.
Identifiers: ClinVar variation 456242 (VCV000456242.8), dbSNP rs148516173, ClinGen allele CA1670785.

ClinVar aggregate classification (germline): Uncertain significance. Review status: criteria provided, multiple submitters, no conflicts (2 of 4 stars). 4 submissions from 4 submitters: Uncertain significance (3). 1 of the submissions does not count toward it. Last evaluated 2025-01-06.

Conditions:
FANCL-related disorder. Also called: FANCL-related condition.
Fanconi anemia (FA). Also called: Fanconi's anemia. Identifiers: Orphanet 84, MedGen C0015625, MeSH D005199, MONDO:0019391.
Fanconi anemia complementation group L (FANCL). Also called: FANCL-Related Fanconi Anemia. Identifiers: Orphanet 84, MedGen C3469528, MONDO:0013566, OMIM 614083.

Allele frequency attached by ClinVar (database versions not stated): gnomAD exomes 0.00006; ExAC 0.00007; ESP Exome Variant Server 0.00008; TOPMed 0.00014; 1000 Genomes Project 30x 0.00016; gnomAD 0.00018 and 0.00019; 1000 Genomes Project 0.00020.
gnomAD v4.1: 67 of 1,613,282 alleles (0.0042%); highest among the groups gnomAD compares: African/African-American, 0.072%; no homozygotes.

Submissions (4):

Labcorp Genetics (formerly Invitae), Labcorp
Classification: Uncertain significance for Fanconi anemia. Last evaluated: 2025-01-06. Review status: criteria provided, single submitter. Criteria: Invitae Variant Classification Sherloc (09022015). Collection method: clinical testing. Allele origin: germline.
Comment: This sequence change replaces leucine, which is neutral and non-polar, with valine, which is neutral and non-polar, at codon 48 of the FANCL protein (p.Leu48Val). This variant is present in population databases (rs148516173, gnomAD 0.07%). This variant has not been reported in the literature in individuals affected with FANCL-related conditions. ClinVar contains an entry for this variant (Variation ID: 456242). Invitae Evidence Modeling of protein sequence and biophysical properties (such as structural, functional, and spatial information, amino acid conservation, physicochemical variation, residue mobility, and thermodynamic stability) indicates that this missense variant is not expected to disrupt FANCL protein function with a negative predictive value of 80%. In summary, the available evidence is currently insufficient to determine the role of this variant in disease. Therefore, it has been classified as a Variant of Uncertain Significance.

Fulgent Genetics
Classification: Uncertain significance for Fanconi anemia complementation group L. Last evaluated: 2021-11-11. Review status: criteria provided, single submitter. Criteria: ACMG Guidelines, 2015. Collection method: clinical testing. Allele origin: unknown.

Blueprint Genetics
Classification: Uncertain significance. Last evaluated: 2021-10-06. Review status: criteria provided, single submitter. Criteria: ACMG Guidelines, 2015. Collection method: clinical testing. Allele origin: germline.

PreventionGenetics, part of Exact Sciences
Classification: Uncertain significance for FANCL-related condition. Last evaluated: 2024-07-22. Review status: no assertion criteria provided. Collection method: clinical testing. Allele origin: germline. Not counted in ClinVar's aggregate classification.
Comment: The FANCL c.142C>G variant is predicted to result in the amino acid substitution p.Leu48Val. To our knowledge, this variant has not been reported in the literature. This variant is reported in 0.072% of alleles in individuals of African descent in gnomAD. Although we suspect that this variant may be benign, at this time, the clinical significance of this variant is uncertain due to the absence of conclusive functional and genetic evidence.